The following is an entry in ClinVar:

NM_000051.4(ATM):c.2634C>T (p.Thr878=)

Gene: ATM (ATM serine/threonine kinase; plus strand). Cytogenetic location: 11q22.3.
Variant type: single nucleotide variant.
Coding change: c.2634C>T on transcript NM_000051.4 (MANE Select); coding-DNA position 2634, C replaced by T.
Protein change: p.Thr878=; no amino-acid change (threonine 878 retained).
Molecular consequence: synonymous variant.
Genome position (GRCh38, 1-based): chr11:108,267,338, C>T. VCF-style: chr11-108267338-C-T. GRCh37 (hg19) VCF-style: chr11-108138065-C-T.
Other names: c.2634C>T, p.Thr878= (NM_001351834.2).
Identifiers: ClinVar variation 3254512 (VCV003254512.2), dbSNP rs771444818.

ClinVar aggregate classification (germline): Benign/Likely benign. Review status: criteria provided, multiple submitters, no conflicts (2 of 4 stars). 2 submissions from 2 submitters: Benign (1); Likely benign (1). Last evaluated 2024-08-08.

Conditions:
Familial cancer of breast. Also called: BREAST CANCER, FAMILIAL; Hereditary breast cancer; hereditary breast carcinoma. Identifiers: Orphanet 227535, MedGen C0346153, MONDO:0016419, OMIM 114480. Disease mechanism: loss of function.
Hereditary cancer-predisposing syndrome. Also called: Hereditary Cancer Syndrome; Tumor predisposition; Hereditary neoplastic syndrome; Neoplastic Syndromes, Hereditary. Identifiers: Orphanet 140162, MedGen C0027672, MeSH D009386, MONDO:0015356.

Submissions (2):

Ambry Genetics
Classification: Likely benign for Hereditary cancer-predisposing syndrome. Last evaluated: 2024-08-08. Review status: criteria provided, single submitter. Criteria: Ambry Variant Classification Scheme 2023. Collection method: clinical testing. Allele origin: germline.

Myriad Genetics, Inc.
Classification: Benign for Familial cancer of breast. Last evaluated: 2024-05-09. Review status: criteria provided, single submitter. Criteria: Myriad Autosomal Dominant, Autosomal Recessive and X-Linked Classification Criteria (2023). Collection method: clinical testing. Allele origin: unknown.
Comment: This variant is considered benign. This variant is a silent/synonymous amino acid change and it is not expected to impact splicing.